The following is an entry in ClinVar:

ClinVar aggregate classification (germline): Benign. Review status: criteria provided, multiple submitters, no conflicts (2 of 4 stars). 9 submissions from 9 submitters: Benign (8). 1 of the submissions does not count toward it. Last evaluated 2026-02-04.

Conditions:
Microcephalic osteodysplastic primordial dwarfism type II (MOPD2). Also called: MOPD II; OSTEODYSPLASTIC PRIMORDIAL DWARFISM, TYPE II; Microcephalic osteodysplastic primordial dwarfism with tooth abnormalities. Identifiers: Orphanet 2637, MedGen C0432246, MONDO:0008872, OMIM 210720.

Allele frequency attached by ClinVar (database versions not stated): 1000 Genomes Project 30x 0.65365; 1000 Genomes Project 0.65775; TOPMed 0.68366; gnomAD 0.68609; ESP Exome Variant Server 0.68856; ExAC 0.74868; gnomAD exomes 0.75623.
gnomAD v4.1: 1,254,999 of 1,612,214 alleles (78%); highest among the groups gnomAD compares: Non-Finnish European, 81%; 494,416 homozygotes.

Submissions (9):

Labcorp Genetics (formerly Invitae), Labcorp
Classification: Benign. Last evaluated: 2026-02-04. Review status: criteria provided, single submitter. Criteria: Invitae Variant Classification Sherloc (09022015). Collection method: clinical testing. Allele origin: germline.

Blueprint Genetics
Classification: Benign. Last evaluated: 2024-11-28. Review status: criteria provided, single submitter. Criteria: ACMG Guidelines, 2015. Collection method: clinical testing. Allele origin: germline.

Genome-Nilou Lab
Classification: Benign for Microcephalic osteodysplastic primordial dwarfism type II. Last evaluated: 2021-09-05. Review status: criteria provided, single submitter. Criteria: ACMG Guidelines, 2015. Collection method: clinical testing. Allele origin: germline. Affected: no.

Illumina Laboratory Services, Illumina
Classification: Benign for Microcephalic osteodysplastic primordial dwarfism type II. Last evaluated: 2018-01-13. Review status: criteria provided, single submitter. Criteria: ICSL Variant Classification Criteria 13 December 2019. Collection method: clinical testing. Allele origin: germline.
Comment: This variant was observed in the ICSL laboratory as part of a predisposition screen in an ostensibly healthy population. It had not been previously curated by ICSL or reported in the Human Gene Mutation Database (HGMD: prior to June 1st, 2018), and was therefore a candidate for classification through an automated scoring system. Utilizing variant allele frequency, disease prevalence and penetrance estimates, and inheritance mode, an automated score was calculated to assess if this variant is too frequent to cause the disease. Based on the score and internal cut-off values, a variant classified as benign is not then subjected to further curation. The score for this variant resulted in a classification of benign for this disease.

Clinical Genetics DNA and cytogenetics Diagnostics Lab, Erasmus MC, Erasmus Medical Center
Classification: Benign for Microcephalic osteodysplastic primordial dwarfism type II. Last evaluated: 2017-05-31. Review status: criteria provided, single submitter. Criteria: ACGS Guidelines, 2013. Collection method: clinical testing. Allele origin: germline. Affected: yes. Study: VKGL Data-share Consensus.

GeneDx
Classification: Benign. Last evaluated: 2015-03-03. Review status: criteria provided, single submitter. Criteria: GeneDx Variant Classification Process June 2021. Collection method: clinical testing. Allele origin: germline. Affected: yes.

Genetic Services Laboratory, University of Chicago
Classification: Benign. Last evaluated: 2013-02-08. Review status: criteria provided, single submitter. Criteria: ACMG Guidelines, 2007. Collection method: clinical testing. Allele origin: germline. Inheritance: Autosomal recessive inheritance.

Breakthrough Genomics
Classification: Benign. Review status: criteria provided, single submitter. Criteria: ACMG Guidelines, 2015. Collection method: not provided. Allele origin: germline. Inheritance: Autosomal recessive inheritance. Affected: yes.

Diagnostic Laboratory, Department of Genetics, University Medical Center Groningen
Classification: Benign for Microcephalic osteodysplastic primordial dwarfism type II. Review status: no assertion criteria provided. Collection method: clinical testing. Allele origin: germline. Affected: yes. Study: VKGL Data-share Consensus. Not counted in ClinVar's aggregate classification.

NM_006031.6(PCNT):c.2610-5C>T

Gene: PCNT (pericentrin; plus strand). Cytogenetic location: 21q22.3.
Variant type: single nucleotide variant.
Coding change: c.2610-5C>T on transcript NM_006031.6 (MANE Select); 5 bases into the intron before coding-DNA position 2610, C replaced by T.
Molecular consequence: intron variant.
Genome position (GRCh38, 1-based): chr21:46,366,579, C>T. VCF-style: chr21-46366579-C-T. GRCh37 (hg19) VCF-style: chr21-47786494-C-T.
Other names: c.2256-5C>T (NM_001315529.2).
Identifiers: ClinVar variation 159574 (VCV000159574.24), dbSNP rs2839226, ClinGen allele CA172984.